The following is an entry in ClinVar:

NM_017617.5(NOTCH1):c.852G>A (p.Pro284=)

Gene: NOTCH1 (notch receptor 1; minus strand). Cytogenetic location: 9q34.3.
Variant type: single nucleotide variant.
Coding change: c.852G>A on transcript NM_017617.5 (MANE Select); coding-DNA position 852, G replaced by A.
Protein change: p.Pro284=; no amino-acid change (proline 284 retained).
Molecular consequence: synonymous variant.
Genome position (GRCh38, 1-based): chr9:136,519,456, C>T on the plus strand (G>A on the coding strand, the complement: NOTCH1 is on the minus strand). VCF-style: chr9-136519456-C-T. GRCh37 (hg19) VCF-style: chr9-139413908-C-T.
Other names: p.Pro284=; c.852G>A (NM_017617.4); c.852G>A, p.Pro284= (LRG_1122t1).
Identifiers: ClinVar variation 384692 (VCV000384692.24), dbSNP rs2229975, ClinGen allele CA5342024.
Genomic context (GRCh38, chr9:136,519,456, plus strand): 5'-GCAGCCCCGCCCCGGCTACCCCGCCCTGCGGCGACCCGTATACGCGCCTGTCCACTCTGG[C>T]GGGCAGCGGCAGTTGTAGGTGTTCACGCCGTCCACACAGGCACCCCCGTTCTTGCAGTTG-3'
Protein context (NP_060087.3, residues 274-294): DGVNTYNCRC[Pro284=]PEWTGQYCTE

ClinVar aggregate classification (germline): Benign. Review status: criteria provided, multiple submitters, no conflicts (2 of 4 stars). 13 submissions from 12 submitters: Benign (9). 4 of the submissions do not count toward it. Last evaluated 2026-02-04.

Conditions:
Adams-Oliver syndrome 5 (AOS5). Identifiers: Orphanet 974, MedGen C4014970, MONDO:0014459, OMIM 616028.
Aortic valve disease 1 (AOVD1). Identifiers: MedGen C3887892, MONDO:0024523, OMIM 109730.
Familial thoracic aortic aneurysm and aortic dissection (TAAD). Also called: Thoracic aortic aneurysms and dissections. Identifiers: Orphanet 91387, MedGen C4707243, MONDO:0019625.

Allele frequency attached by ClinVar (database versions not stated): 1000 Genomes Project 0.12220; gnomAD 0.12249 and 0.12632; 1000 Genomes Project 30x 0.12258; TOPMed 0.12330; ESP Exome Variant Server 0.12514; gnomAD exomes 0.13541 and 0.13819; ExAC 0.13700.
gnomAD v4.1: 221,140 of 1,612,772 alleles (14%); highest among the groups gnomAD compares: South Asian, 25%; 16,514 homozygotes.

Submissions (13):

Labcorp Genetics (formerly Invitae), Labcorp
Classification: Benign for Adams-Oliver syndrome 5. Last evaluated: 2026-02-04. Review status: criteria provided, single submitter. Criteria: Invitae Variant Classification Sherloc (09022015). Collection method: clinical testing. Allele origin: germline.

Blueprint Genetics
Classification: Benign. Last evaluated: 2024-11-27. Review status: criteria provided, single submitter. Criteria: ACMG Guidelines, 2015. Collection method: clinical testing. Allele origin: germline.

Women's Health and Genetics/Laboratory Corporation of America, LabCorp
Classification: Benign. Last evaluated: 2023-04-09. Review status: criteria provided, single submitter. Criteria: LabCorp Variant Classification Summary - May 2015. Collection method: clinical testing. Allele origin: germline.

Genome-Nilou Lab
Classification: Benign for Adams-Oliver syndrome 5. Last evaluated: 2022-03-15. Review status: criteria provided, single submitter. Criteria: ACMG Guidelines, 2015. Collection method: clinical testing. Allele origin: germline. Affected: no.

Genome-Nilou Lab
Classification: Benign for Aortic valve disease 1. Last evaluated: 2022-03-15. Review status: criteria provided, single submitter. Criteria: ACMG Guidelines, 2015. Collection method: clinical testing. Allele origin: germline. Affected: no.

Mayo Clinic Laboratories, Mayo Clinic
Classification: Benign. Last evaluated: 2017-11-14. Review status: criteria provided, single submitter. Criteria: ACMG Guidelines, 2015. Collection method: clinical testing. Allele origin: germline. Observed: 366 variant alleles.

GeneDx
Classification: Benign. Last evaluated: 2016-09-28. Review status: criteria provided, single submitter. Criteria: GeneDx Variant Classification (06012015). Collection method: clinical testing. Allele origin: germline. Affected: yes.
Comment: This variant is considered likely benign or benign based on one or more of the following criteria: it is a conservative change, it occurs at a poorly conserved position in the protein, it is predicted to be benign by multiple in silico algorithms, and/or has population frequency not consistent with disease.

Ambry Genetics
Classification: Benign for Familial thoracic aortic aneurysm and aortic dissection. Last evaluated: 2015-02-06. Review status: criteria provided, single submitter. Criteria: Ambry Variant Classification Scheme 2023. Collection method: clinical testing. Allele origin: germline.

Breakthrough Genomics
Classification: Benign. Review status: criteria provided, single submitter. Criteria: ACMG Guidelines, 2015. Collection method: not provided. Allele origin: germline. Inheritance: Autosomal dominant inheritance. Affected: yes.

Clinical Genetics, Academic Medical Center
Classification: Benign. Review status: no assertion criteria provided. Collection method: clinical testing. Allele origin: germline. Affected: yes. Study: VKGL Data-share Consensus. Not counted in ClinVar's aggregate classification.

Diagnostic Laboratory, Department of Genetics, University Medical Center Groningen
Classification: Benign for Aortic valve disease 1. Review status: no assertion criteria provided. Collection method: clinical testing. Allele origin: germline. Affected: yes. Study: VKGL Data-share Consensus. Not counted in ClinVar's aggregate classification.

Genome Diagnostics Laboratory, Amsterdam University Medical Center
Classification: Benign. Review status: no assertion criteria provided. Collection method: clinical testing. Allele origin: germline. Affected: yes. Study: VKGL Data-share Consensus. Not counted in ClinVar's aggregate classification.

Joint Genome Diagnostic Labs from Nijmegen and Maastricht, Radboudumc and MUMC+
Classification: Benign. Review status: no assertion criteria provided. Collection method: clinical testing. Allele origin: germline. Affected: yes. Study: VKGL Data-share Consensus. Not counted in ClinVar's aggregate classification.

Literature cited by the submitters: PubMed 24943832 (cited by Women's Health and Genetics/Laboratory Corporation of America, LabCorp); PubMed 16614245 (cited by Women's Health and Genetics/Laboratory Corporation of America, LabCorp); PubMed 21670202 (cited by Women's Health and Genetics/Laboratory Corporation of America, LabCorp); PubMed 22210878 (cited by Women's Health and Genetics/Laboratory Corporation of America, LabCorp); PubMed 19635999 (cited by Women's Health and Genetics/Laboratory Corporation of America, LabCorp); PubMed 26837699 (cited by Women's Health and Genetics/Laboratory Corporation of America, LabCorp); PubMed 23086750 (cited by Women's Health and Genetics/Laboratory Corporation of America, LabCorp); PubMed 19245433 (cited by Women's Health and Genetics/Laboratory Corporation of America, LabCorp); PubMed 22077063 (cited by Women's Health and Genetics/Laboratory Corporation of America, LabCorp); PubMed 15472075 (cited by Women's Health and Genetics/Laboratory Corporation of America, LabCorp); PubMed 23734977 (cited by Women's Health and Genetics/Laboratory Corporation of America, LabCorp); PubMed 22858860 (cited by Women's Health and Genetics/Laboratory Corporation of America, LabCorp).